The following is an entry in ClinVar:

ClinVar aggregate classification (germline): Likely benign. Review status: criteria provided, single submitter (1 of 4 stars). 2 submissions from 2 submitters: Likely benign (1). 1 of the submissions does not count toward it. Last evaluated 2024-10-29.

Allele frequency attached by ClinVar (database versions not stated): gnomAD 0.00001; gnomAD exomes 0.00001 and 0.00002; TOPMed 0.00001; ExAC 0.00002; 1000 Genomes Project 0.00040; 1000 Genomes Project 30x 0.00047.
gnomAD v4.1: 15 of 1,614,150 alleles (0.00093%); highest among the groups gnomAD compares: Admixed American, 0.023%; no homozygotes.

Submissions (2):

Labcorp Genetics (formerly Invitae), Labcorp
Classification: Likely benign. Last evaluated: 2024-10-29. Review status: criteria provided, single submitter. Criteria: Invitae Variant Classification Sherloc (09022015). Collection method: clinical testing. Allele origin: germline.

ITMI
No classification provided. Condition: AllHighlyPenetrant. Last evaluated: 2013-09-19. Review status: no classification provided. Collection method: reference population. Allele origin: germline. Not counted in ClinVar's aggregate classification.
Comment: Please see associated publication for description of ethnicities

Literature cited by the submitters: PubMed 24728327 (cited by ITMI).

NM_002227.4(JAK1):c.2469C>T (p.Leu823=)

Gene: JAK1 (Janus kinase 1; minus strand). Cytogenetic location: 1p31.3.
Variant type: single nucleotide variant.
Coding change: c.2469C>T on transcript NM_002227.4 (MANE Select); coding-DNA position 2469, C replaced by T.
Protein change: p.Leu823=; no amino-acid change (leucine 823 retained).
Molecular consequence: synonymous variant.
Genome position (GRCh38, 1-based): chr1:64,841,536, G>A on the plus strand (C>T on the coding strand, the complement: JAK1 is on the minus strand). VCF-style: chr1-64841536-G-A. GRCh37 (hg19) VCF-style: chr1-65307219-G-A.
Other names: c.2469C>T, p.Leu823= (NM_001320923.2, NM_001321852.2, NM_001321853.2 and 3 more transcripts); c.2466C>T, p.Leu822= (NM_001321857.2).
Identifiers: ClinVar variation 134545 (VCV000134545.9), dbSNP rs560585690, ClinGen allele CA160146.